The following is an entry in ClinVar:

ClinVar aggregate classification (germline): Uncertain significance (1 of 4 stars; one submission).

gnomAD v4.1: 26 of 1,561,216 alleles (0.0017%); highest among the groups gnomAD compares: East Asian, 0.059%; no homozygotes.

Submission:

Labcorp Genetics (formerly Invitae), Labcorp
Classification: Uncertain significance. Last evaluated: 2026-01-26. Review status: criteria provided, single submitter. Criteria: Invitae Variant Classification Sherloc (09022015). Collection method: clinical testing. Allele origin: germline.
Comment: This sequence change replaces tyrosine, which is neutral and polar, with aspartic acid, which is acidic and polar, at codon 569 of the FBN3 protein (p.Tyr569Asp). This variant is present in population databases (rs200317211, gnomAD 0.06%). This variant has not been reported in the literature in individuals affected with FBN3-related conditions. ClinVar contains an entry for this variant (Variation ID: 3610941). Invitae Evidence Modeling of protein sequence and biophysical properties (such as structural, functional, and spatial information, amino acid conservation, physicochemical variation, residue mobility, and thermodynamic stability) indicates that this missense variant is not expected to disrupt FBN3 protein function with a negative predictive value of 80%. In summary, the available evidence is currently insufficient to determine the role of this variant in disease. Therefore, it has been classified as a Variant of Uncertain Significance.

NM_032447.5(FBN3):c.1705T>G (p.Tyr569Asp)

Gene: FBN3 (fibrillin 3; minus strand). Cytogenetic location: 19p13.2.
Variant type: single nucleotide variant.
Coding change: c.1705T>G on transcript NM_032447.5 (MANE Select); coding-DNA position 1705, T replaced by G.
Protein change: p.Tyr569Asp; replaces tyrosine 569 with aspartic acid.
Molecular consequence: missense variant.
Genome position (GRCh38, 1-based): chr19:8,132,993, A>C on the plus strand (T>G on the coding strand, the complement: FBN3 is on the minus strand). VCF-style: chr19-8132993-A-C. GRCh37 (hg19) VCF-style: chr19-8197877-A-C.
Other names: c.1705T>G, p.Tyr569Asp (NM_001321431.2); short protein forms Y569D.
Identifiers: ClinVar variation 3610941 (VCV003610941.2).